The following is an entry in ClinVar:

ClinVar aggregate classification (germline): Likely benign (0 of 4 stars; one submission).

Conditions:
NEK1-related disorder. Also called: NEK1-related condition.

Allele frequency attached by ClinVar (database versions not stated): ExAC 0.00002; gnomAD 0.00003; TOPMed 0.00004.
gnomAD v4.1: 86 of 1,587,852 alleles (0.0054%); highest among the groups gnomAD compares: Non-Finnish European, 0.0063%; no homozygotes.

Submission:

PreventionGenetics, part of Exact Sciences
Classification: Likely benign for NEK1-related condition. Last evaluated: 2023-05-31. Review status: no assertion criteria provided. Collection method: clinical testing. Allele origin: germline.
Comment: This variant is classified as likely benign based on ACMG/AMP sequence variant interpretation guidelines (Richards et al. 2015 PMID: 25741868, with internal and published modifications).

NM_001199397.3(NEK1):c.1020+8C>T

Gene: NEK1 (NIMA related kinase 1; minus strand). Cytogenetic location: 4q33.
Variant type: single nucleotide variant.
Coding change: c.1020+8C>T on transcript NM_001199397.3 (MANE Select); 8 bases into the intron after coding-DNA position 1020, C replaced by T.
Molecular consequence: intron variant.
Genome position (GRCh38, 1-based): chr4:169,576,920, G>A on the plus strand (C>T on the coding strand, the complement: NEK1 is on the minus strand). VCF-style: chr4-169576920-G-A. GRCh37 (hg19) VCF-style: chr4-170498071-G-A.
Other names: c.1020+8C>T (NM_001374421.1, NM_001374420.1, NM_001199399.3 and 7 more transcripts).
Identifiers: ClinVar variation 3031395 (VCV003031395.2), dbSNP rs766646853, ClinGen allele CA3137887.